The following is an entry in ClinVar:

NM_001148.6(ANK2):c.661C>A (p.Gln221Lys)

Gene: ANK2 (ankyrin 2; plus strand). Cytogenetic location: 4q26.
Variant type: single nucleotide variant.
Coding change: c.661C>A on transcript NM_001148.6 (MANE Select); coding-DNA position 661, C replaced by A.
Protein change: p.Gln221Lys; replaces glutamine 221 with lysine.
Molecular consequence: missense variant.
Genome position (GRCh38, 1-based): chr4:113,237,164, C>A. VCF-style: chr4-113237164-C-A. GRCh37 (hg19) VCF-style: chr4-114158320-C-A.
Other names: c.598C>A, p.Gln200Lys (NM_001354266.2, NM_001354267.2, NM_001354270.2 and 33 more transcripts); c.649C>A, p.Gln217Lys (NM_001354269.3, NM_001386148.2, NM_001386186.2 and 1 more transcripts); c.661C>A, p.Gln221Lys (NM_001354268.2, NM_001354273.2, NM_020977.5 and 9 more transcripts); c.706C>A, p.Gln236Lys (NM_001386144.1, NM_001386152.1, NM_001354230.2 and 5 more transcripts); c.643C>A, p.Gln215Lys (NM_001386147.1, NM_001386160.1, NM_001354261.2); c.712C>A, p.Gln238Lys (NM_001386174.1, NM_001386175.1); short protein forms Q215K, Q221K, Q238K, Q200K, Q217K, Q236K.
Identifiers: ClinVar variation 2565310 (VCV002565310.2), dbSNP rs2490393629, ClinGen allele CA357916989.

ClinVar aggregate classification (germline): Uncertain significance (1 of 4 stars; one submission).

Conditions:
Cardiovascular phenotype. Identifiers: MedGen CN230736.

Submission:

Ambry Genetics
Classification: Uncertain significance for Cardiovascular phenotype. Last evaluated: 2023-05-11. Review status: criteria provided, single submitter. Criteria: Ambry Variant Classification Scheme 2023. Collection method: clinical testing. Allele origin: germline.
Comment: The p.Q221K variant (also known as c.661C>A), located in coding exon 6 of the ANK2 gene, results from a C to A substitution at nucleotide position 661. The glutamine at codon 221 is replaced by lysine, an amino acid with similar properties. This amino acid position is conserved. In addition, this alteration is predicted to be tolerated by in silico analysis. Since supporting evidence is limited at this time, the clinical significance of this alteration remains unclear.